The following is an entry in ClinVar:

NM_002386.4(MC1R):c.800G>T (p.Cys267Phe)

Gene: MC1R (melanocortin 1 receptor; plus strand). Cytogenetic location: 16q24.3.
Variant type: single nucleotide variant.
Coding change: c.800G>T on transcript NM_002386.4 (MANE Select); coding-DNA position 800, G replaced by T.
Protein change: p.Cys267Phe; replaces cysteine 267 with phenylalanine.
Molecular consequence: missense variant.
Genome position (GRCh38, 1-based): chr16:89,920,058, G>T. VCF-style: chr16-89920058-G-T. GRCh37 (hg19) VCF-style: chr16-89986466-G-T.
Other names: short protein forms C267F.
Identifiers: ClinVar variation 470713 (VCV000470713.8), dbSNP rs1555623887, ClinGen allele CA397463321.

ClinVar aggregate classification (germline): Uncertain significance (1 of 4 stars; one submission).

Conditions:
Melanoma, cutaneous malignant, susceptibility to, 5. Also called: Cutaneous malignant melanoma 5. Identifiers: Orphanet 618, MedGen C2751295, MONDO:0013133, OMIM 613099.

Submission:

Labcorp Genetics (formerly Invitae), Labcorp
Classification: Uncertain significance for Melanoma, cutaneous malignant, susceptibility to, 5. Last evaluated: 2017-05-29. Review status: criteria provided, single submitter. Criteria: Invitae Variant Classification Sherloc (09022015). Collection method: clinical testing. Allele origin: germline.
Comment: In summary, this variant has uncertain impact on MC1R function. The available evidence is currently insufficient to determine its role in disease. Therefore, it has been classified as a Variant of Uncertain Significance. Algorithms developed to predict the effect of missense changes on protein structure and function (SIFT, PolyPhen-2, Align-GVGD) all suggest that this variant is likely to be disruptive, but these predictions have not been confirmed by published functional studies and their clinical significance is uncertain. This variant has not been reported in the literature in individuals with a MC1R-related disease. This variant is not present in population databases (ExAC no frequency). This sequence change replaces cysteine with phenylalanine at codon 267 of the MC1R protein (p.Cys267Phe). The cysteine residue is highly conserved and there is a large physicochemical difference between cysteine and phenylalanine.